The following is an entry in ClinVar:

ClinVar aggregate classification (germline): Conflicting classifications of pathogenicity. Review status: criteria provided, conflicting classifications (1 of 4 stars). 3 submissions from 3 submitters: Uncertain significance (2); Likely benign (1). Last evaluated 2026-09-23.

Conditions:
LEPR-related disorder. Also called: LEPR-related condition; LEPR-related disorders.
Inborn genetic diseases. Identifiers: MedGen C0950123, MeSH D030342.

Allele frequency attached by ClinVar (database versions not stated): gnomAD 0.00009 and 0.00010; ExAC 0.00010; gnomAD exomes 0.00010; TOPMed 0.00016.
gnomAD v4.1: 117 of 1,609,092 alleles (0.0073%); highest among the groups gnomAD compares: Middle Eastern, 0.099%; no homozygotes.

Submissions (3):

PreventionGenetics, part of Exact Sciences
Classification: Uncertain significance for LEPR-related condition. Last evaluated: 2026-09-23. Review status: criteria provided, single submitter. Criteria: ACMG Guidelines, 2015. Collection method: clinical testing. Allele origin: germline.
Comment: The LEPR c.296G>A variant is predicted to result in the amino acid substitution p.Cys99Tyr. This variant has been reported in the heterozygous state along with a risk variant in the PCSK1 gene in an individual with severe obesity (Patient 2, Table 2, Courbage et al. 2021. PubMed ID: 34097736). This variant was observed in a cohort of individuals with obesity, and in vitro functional studies showed function similar to that of wildtype levels (Supplemental Data Set, Shah et al. 2023. PubMed ID: 36864747). This variant is reported in 0.038% of alleles in individuals of Latino descent in gnomAD. At this time, the clinical significance of this variant is uncertain due to the absence of conclusive functional and genetic evidence.

Labcorp Genetics (formerly Invitae), Labcorp
Classification: Likely benign. Last evaluated: 2025-09-21. Review status: criteria provided, single submitter. Criteria: Invitae Variant Classification Sherloc (09022015). Collection method: clinical testing. Allele origin: germline.

Ambry Genetics
Classification: Uncertain significance for Inborn genetic diseases. Last evaluated: 2021-08-13. Review status: criteria provided, single submitter. Criteria: Ambry Variant Classification Scheme 2023. Collection method: clinical testing. Allele origin: germline.

NM_002303.6(LEPR):c.296G>A (p.Cys99Tyr)

Gene: LEPR (leptin receptor; plus strand). Cytogenetic location: 1p31.3.
Variant type: single nucleotide variant.
Coding change: c.296G>A on transcript NM_002303.6 (MANE Select); coding-DNA position 296, G replaced by A.
Protein change: p.Cys99Tyr; replaces cysteine 99 with tyrosine.
Molecular consequence: missense variant.
Genome position (GRCh38, 1-based): chr1:65,570,728, G>A. VCF-style: chr1-65570728-G-A. GRCh37 (hg19) VCF-style: chr1-66036411-G-A.
Other names: c.296G>A, p.Cys99Tyr (NM_001003679.3, NM_001003680.3, NM_001198687.2 and 2 more transcripts); c.296G>A (NM_002303.5); short protein forms C99Y.
Identifiers: ClinVar variation 1356049 (VCV001356049.10), dbSNP rs548848340, ClinGen allele CA894497.
Genomic context (GRCh38, chr1:65,570,728, plus strand): 5'-TTTCTAACTTATCCAAAACAACTTTCCACTGTTGCTTTCGGAGTGAGCAAGATAGAAACT[G>A]CTCCTTATGTGCAGACAACATTGAAGGAAAGACATTTGTTTCAACAGTAAATTCTTTAGT-3'
Protein context (NP_002294.2, residues 89-109): CCFRSEQDRN[Cys99Tyr]SLCADNIEGK